The following is an entry in ClinVar:

ClinVar aggregate classification (germline): Uncertain significance (1 of 4 stars; one submission).

Submission:

GeneDx
Classification: Uncertain significance. Last evaluated: 2024-09-10. Review status: criteria provided, single submitter. Criteria: GeneDx Variant Classification Process June 2021. Collection method: clinical testing. Allele origin: germline. Affected: yes.
Comment: Not observed at significant frequency in large population cohorts (gnomAD); In silico analysis supports that this missense variant has a deleterious effect on protein structure/function; Has not been previously published as pathogenic or benign to our knowledge; This variant is associated with the following publications: (PMID: 27839871)

NM_000834.5(GRIN2B):c.2144A>G (p.Asp715Gly)

Gene: GRIN2B (glutamate ionotropic receptor NMDA type subunit 2B; minus strand). Cytogenetic location: 12p13.1.
Variant type: single nucleotide variant.
Coding change: c.2144A>G on transcript NM_000834.5 (MANE Select); coding-DNA position 2144, A replaced by G.
Protein change: p.Asp715Gly; replaces aspartic acid 715 with glycine.
Molecular consequence: missense variant.
Genome position (GRCh38, 1-based): chr12:13,571,831, T>C on the plus strand (A>G on the coding strand, the complement: GRIN2B is on the minus strand). VCF-style: chr12-13571831-T-C. GRCh37 (hg19) VCF-style: chr12-13724765-T-C.
Other names: c.2144A>G, p.Asp715Gly (NM_001413992.1); short protein forms D715G.
Identifiers: ClinVar variation 3767812 (VCV003767812.1).